The following is an entry in ClinVar:

NM_001184880.2(PCDH19):c.2147+2T>C

Gene: PCDH19 (protocadherin 19; minus strand). Cytogenetic location: Xq22.1.
Variant type: single nucleotide variant.
Coding change: c.2147+2T>C on transcript NM_001184880.2 (MANE Select); the canonical splice donor site of the intron after coding-DNA position 2147, T replaced by C.
Molecular consequence: splice donor variant.
Genome position (GRCh38, 1-based): chrX:100,406,449, A>G on the plus strand (T>C on the coding strand, the complement: PCDH19 is on the minus strand). VCF-style: chrX-100406449-A-G. GRCh37 (hg19) VCF-style: chrX-99661447-A-G.
Other names: c.2147+2T>C (NM_020766.3, NM_001105243.2).
Identifiers: ClinVar variation 449522 (VCV000449522.2), dbSNP rs1555984946, ClinGen allele CA414001171.

ClinVar aggregate classification (germline): Pathogenic (1 of 4 stars; one submission).

Submission:

GeneDx
Classification: Pathogenic. Last evaluated: 2016-07-27. Review status: criteria provided, single submitter. Criteria: GeneDx Variant Classification (06012015). Collection method: clinical testing. Allele origin: germline. Affected: yes.
Comment: The c.2147+2 T>C splice site variant in the PCDH19 gene destroys the canonical splice donor site in intron 1. It is predicted to cause abnormal gene splicing, either leading to an abnormal message that is subject to nonsense-mediated mRNA decay, or to an abnormal protein product if the message is used for protein translation. The c.2147+2 T>C variant was not observed in approximately 6,000 individuals of European and African American ancestry in the NHLBI Exome Sequencing Project, indicating it is not a common benign variant in these populations. Although this variant has not been previously reported to our knowledge, it is considered a pathogenic variant